The following is an entry in ClinVar:

NM_152383.5(DIS3L2):c.1561A>G (p.Ser521Gly)

Gene: DIS3L2 (DIS3 like 3'-5' exoribonuclease 2; plus strand). Cytogenetic location: 2q37.1.
Variant type: single nucleotide variant.
Coding change: c.1561A>G on transcript NM_152383.5 (MANE Select); coding-DNA position 1561, A replaced by G.
Protein change: p.Ser521Gly; replaces serine 521 with glycine.
Molecular consequence: missense variant. On other transcripts: non-coding transcript variant (2).
Genome position (GRCh38, 1-based): chr2:232,263,342, A>G. VCF-style: chr2-232263342-A-G. GRCh37 (hg19) VCF-style: chr2-233128052-A-G.
Other names: c.1561A>G, p.Ser521Gly (NM_001257281.2); short protein forms S521G.
Identifiers: ClinVar variation 1014673 (VCV001014673.8), dbSNP rs1693769295, ClinGen allele CA350975527.

ClinVar aggregate classification (germline): Uncertain significance (1 of 4 stars; one submission).

Conditions:
Perlman syndrome (PRLMNS). Identifiers: Orphanet 2849, MedGen C0796113, MONDO:0009965, OMIM 267000.

Submission:

Labcorp Genetics (formerly Invitae), Labcorp
Classification: Uncertain significance for Perlman syndrome. Last evaluated: 2022-11-10. Review status: criteria provided, single submitter. Criteria: Invitae Variant Classification Sherloc (09022015). Collection method: clinical testing. Allele origin: germline.
Comment: Advanced modeling of protein sequence and biophysical properties (such as structural, functional, and spatial information, amino acid conservation, physicochemical variation, residue mobility, and thermodynamic stability) performed at Invitae indicates that this missense variant is not expected to disrupt DIS3L2 protein function. ClinVar contains an entry for this variant (Variation ID: 1014673). In summary, the available evidence is currently insufficient to determine the role of this variant in disease. Therefore, it has been classified as a Variant of Uncertain Significance. This sequence change replaces serine, which is neutral and polar, with glycine, which is neutral and non-polar, at codon 521 of the DIS3L2 protein (p.Ser521Gly). This variant is not present in population databases (gnomAD no frequency). This variant has not been reported in the literature in individuals affected with DIS3L2-related conditions.